The following is an entry in ClinVar:

ClinVar aggregate classification (germline): Uncertain significance (1 of 4 stars; one submission).

Conditions:
Mucopolysaccharidosis, MPS-III-A (MPS3A). Also called: HEPARAN SULFATE SULFATASE DEFICIENCY; SANFILIPPO SYNDROME A; SULFAMIDASE DEFICIENCY; MPS III A; MPS IIIA (Sanfilippo Syndrome Type A); Mucopolysaccharidosis type IIIA (Sanfilippo A). Identifiers: Orphanet 581, Orphanet 79269, MedGen C0086647, MONDO:0009655, OMIM 252900.

Allele frequency attached by ClinVar (database versions not stated): TOPMed 0.00003; ESP Exome Variant Server 0.00008; gnomAD exomes 0.00002; gnomAD 0.00003; ExAC 0.00003.

Submission:

Labcorp Genetics (formerly Invitae), Labcorp
Classification: Uncertain significance for Mucopolysaccharidosis, MPS-III-A. Last evaluated: 2023-12-06. Review status: criteria provided, single submitter. Criteria: Invitae Variant Classification Sherloc (09022015). Collection method: clinical testing. Allele origin: germline.
Comment: This sequence change replaces aspartic acid, which is acidic and polar, with valine, which is neutral and non-polar, at codon 454 of the SGSH protein (p.Asp454Val). This variant is present in population databases (rs145490072, gnomAD 0.005%). This variant has not been reported in the literature in individuals affected with SGSH-related conditions. ClinVar contains an entry for this variant (Variation ID: 1486529). Advanced modeling of protein sequence and biophysical properties (such as structural, functional, and spatial information, amino acid conservation, physicochemical variation, residue mobility, and thermodynamic stability) has been performed at Invitae for this missense variant, however the output from this modeling did not meet the statistical confidence thresholds required to predict the impact of this variant on SGSH protein function. In summary, the available evidence is currently insufficient to determine the role of this variant in disease. Therefore, it has been classified as a Variant of Uncertain Significance.

NM_000199.5(SGSH):c.1361A>T (p.Asp454Val)

Gene: SGSH (N-sulfoglucosamine sulfohydrolase; minus strand). Cytogenetic location: 17q25.3.
Variant type: single nucleotide variant.
Coding change: c.1361A>T on transcript NM_000199.5 (MANE Select); coding-DNA position 1361, A replaced by T.
Protein change: p.Asp454Val; replaces aspartic acid 454 with valine.
Molecular consequence: missense variant. On other transcripts: 3 prime UTR variant (2), non-coding transcript variant (1).
Genome position (GRCh38, 1-based): chr17:80,210,600, T>A on the plus strand (A>T on the coding strand, the complement: SGSH is on the minus strand). VCF-style: chr17-80210600-T-A. GRCh37 (hg19) VCF-style: chr17-78184399-T-A.
Other names: c.*448A>T (NM_001352921.3); c.*411A>T (NM_001352922.2); short protein forms D454V.
Identifiers: ClinVar variation 1486529 (VCV001486529.4), dbSNP rs145490072, ClinGen allele CA8817597.